The following is an entry in ClinVar:

NM_000159.4(GCDH):c.93del (p.Gly33fs)

Genes: GCDH (glutaryl-CoA dehydrogenase; plus strand), LOC117125594 (CRISPRi-FlowFISH-validated KLF1 regulatory element; plus strand). Cytogenetic location: 19p13.13.
Variant type: Deletion.
Coding change: c.93del on transcript NM_000159.4 (MANE Select); coding-DNA position 93, one base deleted (G; older notation c.93delG).
Protein change: p.Gly33fs; shifts the reading frame from glycine 33.
Molecular consequence: frameshift variant. On other transcripts: non-coding transcript variant (2).
Genome position (GRCh38, 1-based): chr19:12,891,488, G deleted. VCF-style (leftmost placement, unchanged base first): chr19-12891487-AG-A. GRCh37 (hg19) VCF-style: chr19-13002301-AG-A.
Other names: c.93del, p.Gly33fs (NM_013976.5); c.93delG (NM_000159.4); short protein forms G33fs.
Identifiers: ClinVar variation 4535499 (VCV004535499.1).

ClinVar aggregate classification (germline): Pathogenic (1 of 4 stars; one submission).

Conditions:
Glutaric aciduria, type 1. Also called: Glutaricacidemia Type 1; GA I; Glutaryl-CoA dehydrogenase deficiency; Glutaric acidemia type I; Glutaricaciduria, type I; Glutaric Acidemia Type 1. Identifiers: Orphanet 25, MedGen C0268595, MONDO:0009281, OMIM 231670.

Submission:

Women's Health and Genetics/Laboratory Corporation of America, LabCorp
Classification: Pathogenic for Glutaric aciduria, type 1. Last evaluated: 2025-09-16. Review status: criteria provided, single submitter. Criteria: LabCorp Variant Classification Summary - May 2015. Collection method: clinical testing. Allele origin: germline.
Comment: Variant summary: GCDH c.93delG (p.Gly33AlafsX28) results in a premature termination codon, predicted to cause a truncation of the encoded protein or absence of the protein due to nonsense mediated decay, which are commonly known mechanisms for disease. Consensus agreement among computation tools predict no significant impact on normal splicing. However, these predictions have yet to be confirmed by functional studies. The variant was absent in 251488 control chromosomes. To our knowledge, no occurrence of c.93delG in individuals affected with GCDH-related conditions and no experimental evidence demonstrating its impact on protein function have been reported. No submitters have cited clinical-significance assessments for this variant to ClinVar. Based on the evidence outlined above, the variant was classified as pathogenic.